The following is an entry in ClinVar:

NM_201384.3(PLEC):c.4820G>A (p.Arg1607Gln)

Gene: PLEC (plectin; minus strand). Cytogenetic location: 8q24.3.
Variant type: single nucleotide variant.
Coding change: c.4820G>A on transcript NM_201384.3 (MANE Select); coding-DNA position 4820, G replaced by A.
Protein change: p.Arg1607Gln; replaces arginine 1607 with glutamine.
Molecular consequence: missense variant.
Genome position (GRCh38, 1-based): chr8:143,925,109, C>T on the plus strand (G>A on the coding strand, the complement: PLEC is on the minus strand). VCF-style: chr8-143925109-C-T. GRCh37 (hg19) VCF-style: chr8-144999277-C-T.
Other names: c.4901G>A (NM_000445.3, NM_000445.4); c.5231G>A, p.Arg1744Gln (NM_201380.4); c.4724G>A, p.Arg1575Gln (NM_201381.3); c.4820G>A, p.Arg1607Gln (NM_201382.4); c.4832G>A, p.Arg1611Gln (NM_201383.3); c.4901G>A, p.Arg1634Gln (NM_000445.5); c.4778G>A, p.Arg1593Gln (NM_201378.4); c.4754G>A, p.Arg1585Gln (NM_201379.3); short protein forms R1575Q, R1585Q, R1593Q, R1607Q, R1611Q, R1634Q, R1744Q.
Identifiers: ClinVar variation 1058470 (VCV001058470.8), dbSNP rs782604134, ClinGen allele CA4926531.

ClinVar aggregate classification (germline): Uncertain significance. Review status: criteria provided, multiple submitters, no conflicts (2 of 4 stars). 3 submissions from 3 submitters: Uncertain significance (3). Last evaluated 2026-01-11.

Conditions:
PLEC-related disorder. Also called: PLEC-related disorders; PLEC-related condition.
Epidermolysis bullosa simplex 5C, with pyloric atresia (EBS5C). Also called: PLEC-Related Epidermolysis Bullosa with Pyloric Atresia; Epidermolysis bullosa simplex with pyloric atresia; PLEC1-Related Epidermolysis Bullosa with Pyloric Atresia. Identifiers: Orphanet 158684, MedGen C2677349, MONDO:0012807, OMIM 612138.
Epidermolysis bullosa simplex with nail dystrophy (EBS5D). Identifiers: MedGen C4225309, MONDO:0014661, OMIM 616487.
Autosomal recessive limb-girdle muscular dystrophy type 2Q (LGMDR17). Also called: MUSCULAR DYSTROPHY, LIMB-GIRDLE, AUTOSOMAL RECESSIVE 17. Identifiers: Orphanet 254361, MedGen C3150989, MONDO:0013390, OMIM 613723.
Epidermolysis bullosa simplex 5B, with muscular dystrophy (EBS5B). Also called: EPIDERMOLYSIS BULLOSA SIMPLEX AND LIMB-GIRDLE MUSCULAR DYSTROPHY; Epidermolysis bullosa simplex with muscular dystrophy. Identifiers: Orphanet 257, MedGen C2931072, MONDO:0009181, OMIM 226670.
Epidermolysis bullosa simplex, Ogna type (EBS5A). Also called: Pidermolysis bullosa simplex 5A, Ogna type; EPIDERMOLYSIS BULLOSA SIMPLEX 5A, OGNA TYPE. Identifiers: Orphanet 79401, MedGen C0432317, MONDO:0007555, OMIM 131950.
Inborn genetic diseases. Identifiers: MedGen C0950123, MeSH D030342.

Allele frequency attached by ClinVar (database versions not stated): TOPMed 0.00004; gnomAD exomes 0.00006; gnomAD 0.00007 and 0.00009; 1000 Genomes Project 30x 0.00016; ExAC 0.00023.
gnomAD v4.1: 58 of 1,553,898 alleles (0.0037%); highest among the groups gnomAD compares: Non-Finnish European, 0.0047%; no homozygotes.

Submissions (3):

Labcorp Genetics (formerly Invitae), Labcorp
Classification: Uncertain significance for Autosomal recessive limb-girdle muscular dystrophy type 2Q; Epidermolysis bullosa simplex, Ogna type; Epidermolysis bullosa simplex with nail dystrophy; Epidermolysis bullosa simplex 5C, with pyloric atresia; Epidermolysis bullosa simplex 5B, with muscular dystrophy. Last evaluated: 2026-01-11. Review status: criteria provided, single submitter. Criteria: Invitae Variant Classification Sherloc (09022015). Collection method: clinical testing. Allele origin: germline.
Comment: This sequence change replaces arginine, which is basic and polar, with glutamine, which is neutral and polar, at codon 1634 of the PLEC protein (p.Arg1634Gln). This variant is present in population databases (rs782604134, gnomAD 0.01%). This variant has not been reported in the literature in individuals affected with PLEC-related conditions. ClinVar contains an entry for this variant (Variation ID: 1058470). An algorithm developed to predict the effect of missense changes on protein structure and function outputs the following: PolyPhen-2: "Not Available". The glutamine amino acid residue is found in multiple mammalian species, which suggests that this missense change does not adversely affect protein function. In summary, the available evidence is currently insufficient to determine the role of this variant in disease. Therefore, it has been classified as a Variant of Uncertain Significance.

PreventionGenetics, part of Exact Sciences
Classification: Uncertain significance for PLEC-related condition. Last evaluated: 2025-12-16. Review status: criteria provided, single submitter. Criteria: ACMG Guidelines, 2015. Collection method: clinical testing. Allele origin: germline.
Comment: The PLEC c.4901G>A variant is predicted to result in the amino acid substitution p.Arg1634Gln. To our knowledge, this variant has not been reported in the literature. This variant is reported in 0.014% of alleles in individuals of European (Non-Finnish) descent in gnomAD. At this time, the clinical significance of this variant is uncertain due to the absence of conclusive functional and genetic evidence.

Ambry Genetics
Classification: Uncertain significance for Inborn genetic diseases. Last evaluated: 2022-10-03. Review status: criteria provided, single submitter. Criteria: Ambry Variant Classification Scheme 2023. Collection method: clinical testing. Allele origin: germline.